The following is an entry in ClinVar:

NM_032578.4(MYPN):c.3075+21G>A

Genes: MYPN (myopalladin; plus strand), LOC132089829 (Neanderthal introgressed variant-containing enhancer experimental_16132; plus strand). Cytogenetic location: 10q21.3.
Variant type: single nucleotide variant.
Coding change: c.3075+21G>A on transcript NM_032578.4 (MANE Select); 21 bases into the intron after coding-DNA position 3075, G replaced by A.
Molecular consequence: intron variant.
Genome position (GRCh38, 1-based): chr10:68,194,533, G>A. VCF-style: chr10-68194533-G-A. GRCh37 (hg19) VCF-style: chr10-69954290-G-A.
Other names: c.3075+21G>A (NM_001256267.2); c.2193+21G>A (NM_001256268.2).
Identifiers: ClinVar variation 671146 (VCV000671146.7), dbSNP rs7081213, ClinGen allele CA5522934.

ClinVar aggregate classification (germline): Benign. Review status: criteria provided, multiple submitters, no conflicts (2 of 4 stars). 6 submissions from 5 submitters: Benign (4). 2 of the submissions do not count toward it. Last evaluated 2021-09-05.

Conditions:
Dilated cardiomyopathy 1KK (CMD1KK). Identifiers: Orphanet 154, Orphanet 75249, MedGen C3714995, MONDO:0014100, OMIM 615248.
MYPN-related myopathy (CMYO24). Also called: Nemaline myopathy 11, autosomal recessive. Identifiers: MedGen C4479186, MONDO:0015023, OMIM 617336.

Allele frequency attached by ClinVar (database versions not stated): 1000 Genomes Project 30x 0.35478; 1000 Genomes Project 0.35603; TOPMed 0.40083; gnomAD 0.41850 and 0.41962; ESP Exome Variant Server 0.42111; gnomAD exomes 0.43529 and 0.47394; ExAC 0.44043.
gnomAD v4.1: 752,681 of 1,610,452 alleles (47%); highest among the groups gnomAD compares: Non-Finnish European, 49%; 179,421 homozygotes.

Submissions (6):

Genome-Nilou Lab
Classification: Benign for Dilated cardiomyopathy 1KK. Last evaluated: 2021-09-05. Review status: criteria provided, single submitter. Criteria: ACMG Guidelines, 2015. Collection method: clinical testing. Allele origin: germline. Affected: no.

Genome-Nilou Lab
Classification: Benign for MYPN-related myopathy. Last evaluated: 2021-09-05. Review status: criteria provided, single submitter. Criteria: ACMG Guidelines, 2015. Collection method: clinical testing. Allele origin: germline. Affected: no.

GeneDx
Classification: Benign. Last evaluated: 2018-06-16. Review status: criteria provided, single submitter. Criteria: GeneDx Variant Classification (06012015). Collection method: clinical testing. Allele origin: germline. Affected: yes.
Comment: This variant is considered likely benign or benign based on one or more of the following criteria: it is a conservative change, it occurs at a poorly conserved position in the protein, it is predicted to be benign by multiple in silico algorithms, and/or has population frequency not consistent with disease.

Breakthrough Genomics
Classification: Benign. Review status: criteria provided, single submitter. Criteria: ACMG Guidelines, 2015. Collection method: not provided. Allele origin: germline. Inheritance: Autosomal recessive inheritance. Affected: yes.

Clinical Genetics DNA and cytogenetics Diagnostics Lab, Erasmus MC, Erasmus Medical Center
Classification: Benign. Review status: no assertion criteria provided. Collection method: clinical testing. Allele origin: germline. Affected: yes. Study: VKGL Data-share Consensus. Not counted in ClinVar's aggregate classification.

Joint Genome Diagnostic Labs from Nijmegen and Maastricht, Radboudumc and MUMC+
Classification: Benign. Review status: no assertion criteria provided. Collection method: clinical testing. Allele origin: germline. Affected: yes. Study: VKGL Data-share Consensus. Not counted in ClinVar's aggregate classification.